The following is an entry in ClinVar:

ClinVar aggregate classification (germline): Likely benign (1 of 4 stars; one submission).

Allele frequency attached by ClinVar (database versions not stated): gnomAD 0.00005; TOPMed 0.00006; gnomAD exomes 0.00007; ESP Exome Variant Server 0.00008; 1000 Genomes Project 30x 0.00016; ExAC 0.00017; 1000 Genomes Project 0.00020.
gnomAD v4.1: 112 of 1,614,134 alleles (0.0069%); highest among the groups gnomAD compares: Middle Eastern, 0.2%; 1 homozygote.

Submission:

CeGaT Center for Human Genetics Tuebingen
Classification: Likely benign. Last evaluated: 2023-02-01. Review status: criteria provided, single submitter. Criteria: CeGaT Center For Human Genetics Tuebingen Variant Classification Criteria Version 2. Collection method: clinical testing. Allele origin: germline. Affected: yes. Observed: 1 variant allele.
Comment: PCDHA2: BP4, BP7

NM_018905.3(PCDHA2):c.1866C>T (p.Phe622=)

Genes: PCDHA1 (protocadherin alpha 1; plus strand), PCDHA2 (protocadherin alpha 2; plus strand), PCDHA@ (protocadherin alpha cluster, complex locus; plus strand). Cytogenetic location: 5q31.3.
Variant type: single nucleotide variant.
Coding change: c.1866C>T on transcript NM_018905.3 (MANE Select); coding-DNA position 1866, C replaced by T.
Protein change: p.Phe622=; no amino-acid change (phenylalanine 622 retained).
Molecular consequence: synonymous variant. On other transcripts: intron variant (2).
Genome position (GRCh38, 1-based): chr5:140,796,830, C>T. VCF-style: chr5-140796830-C-T. GRCh37 (hg19) VCF-style: chr5-140176415-C-T.
Other names: c.1866C>T, p.Phe622= (NM_031495.2, NM_031496.2); c.2394+8146C>T (NM_018900.4); c.1602+8938C>T (NM_031411.3).
Identifiers: ClinVar variation 2655748 (VCV002655748.24), dbSNP rs370830493, ClinGen allele CA3445983.